The following is an entry in ClinVar:

NM_000211.5(ITGB2):c.2142G>C (p.Leu714=)

Gene: ITGB2 (integrin subunit beta 2; minus strand). Cytogenetic location: 21q22.3.
Variant type: single nucleotide variant.
Coding change: c.2142G>C on transcript NM_000211.5 (MANE Select); coding-DNA position 2142, G replaced by C.
Protein change: p.Leu714=; no amino-acid change (leucine 714 retained).
Molecular consequence: synonymous variant.
Genome position (GRCh38, 1-based): chr21:44,886,841, C>G on the plus strand (G>C on the coding strand, the complement: ITGB2 is on the minus strand). VCF-style: chr21-44886841-C-G. GRCh37 (hg19) VCF-style: chr21-46306756-C-G.
Other names: p.Leu714=; c.2142G>C, p.Leu714= (NM_001127491.3); c.1935G>C, p.Leu645= (NM_001303238.2).
Identifiers: ClinVar variation 754712 (VCV000754712.13), dbSNP rs373668784, ClinGen allele CA10062541.

ClinVar aggregate classification (germline): Likely benign. Review status: criteria provided, multiple submitters, no conflicts (2 of 4 stars). 3 submissions from 3 submitters: Likely benign (3). Last evaluated 2025-12-22.

Conditions:
Leukocyte adhesion deficiency 1 (LAD1). Also called: LAD 1; Lymphocyte function-associated antigen 1 immunodeficiency; LFA 1 immunodeficiency; LEUKOCYTE ADHESION DEFICIENCY, TYPE I. Identifiers: Orphanet 2968, Orphanet 99842, MedGen C0398738, MONDO:0007293, OMIM 116920.

Allele frequency attached by ClinVar (database versions not stated): gnomAD exomes 0.00003 and 0.00006; gnomAD 0.00005 and 0.00006; TOPMed 0.00006; ExAC 0.00008; ESP Exome Variant Server 0.00008.
gnomAD v4.1: 54 of 1,613,630 alleles (0.0033%); highest among the groups gnomAD compares: Non-Finnish European, 0.0044%; no homozygotes.

Submissions (3):

Labcorp Genetics (formerly Invitae), Labcorp
Classification: Likely benign for Leukocyte adhesion deficiency 1. Last evaluated: 2025-12-22. Review status: criteria provided, single submitter. Criteria: Invitae Variant Classification Sherloc (09022015). Collection method: clinical testing. Allele origin: germline.

Mayo Clinic Laboratories, Mayo Clinic
Classification: Likely benign. Last evaluated: 2025-04-14. Review status: criteria provided, single submitter. Criteria: ACMG Guidelines, 2015. Collection method: clinical testing. Allele origin: germline. Observed: 1 variant allele.
Comment: BP4, BP7

Blueprint Genetics
Classification: Likely benign. Last evaluated: 2024-08-21. Review status: criteria provided, single submitter. Criteria: ACMG Guidelines, 2015. Collection method: clinical testing. Allele origin: germline.